The following is an entry in ClinVar:

ClinVar aggregate classification (germline): Likely benign. Review status: criteria provided, single submitter (1 of 4 stars). 2 submissions from 2 submitters: Likely benign (1). 1 of the submissions does not count toward it. Last evaluated 2024-09-20.

Conditions:
NDUFV2-related disorder. Also called: NDUFV2-related condition.

Allele frequency attached by ClinVar (database versions not stated): ExAC 0.13034.

Submissions (2):

Blueprint Genetics
Classification: Likely benign. Last evaluated: 2024-09-20. Review status: criteria provided, single submitter. Criteria: ACMG Guidelines, 2015. Collection method: clinical testing. Allele origin: germline.

PreventionGenetics, part of Exact Sciences
Classification: Likely benign for NDUFV2-related condition. Last evaluated: 2019-10-31. Review status: no assertion criteria provided. Collection method: clinical testing. Allele origin: germline. Not counted in ClinVar's aggregate classification.
Comment: This variant is classified as likely benign based on ACMG/AMP sequence variant interpretation guidelines (Richards et al. 2015 PMID: 25741868, with internal and published modifications).

NM_021074.5(NDUFV2):c.381T>C (p.Val127=)

Genes: NDUFV2 (NADH:ubiquinone oxidoreductase core subunit V2; plus strand), NDUFV2-AS1 (NDUFV2 antisense RNA 1; minus strand). Cytogenetic location: 18p11.22.
Variant type: single nucleotide variant.
Coding change: c.381T>C on transcript NM_021074.5 (MANE Select); coding-DNA position 381, T replaced by C.
Protein change: p.Val127=; no amino-acid change (valine 127 retained).
Molecular consequence: synonymous variant.
Genome position (GRCh38, 1-based): chr18:9,122,593, T>C. VCF-style: chr18-9122593-T-C. GRCh37 (hg19) VCF-style: chr18-9122591-T-C.
Identifiers: ClinVar variation 3052726 (VCV003052726.3), dbSNP rs76552443, ClinGen allele CA8887205.